The following is an entry in ClinVar:

ClinVar aggregate classification (germline): Uncertain significance (1 of 4 stars; one submission).

Submission:

Labcorp Genetics (formerly Invitae), Labcorp
Classification: Uncertain significance. Last evaluated: 2021-06-09. Review status: criteria provided, single submitter. Criteria: Invitae Variant Classification Sherloc (09022015). Collection method: clinical testing. Allele origin: germline.
Comment: In summary, the available evidence is currently insufficient to determine the role of this variant in disease. Therefore, it has been classified as a Variant of Uncertain Significance. Advanced modeling of protein sequence and biophysical properties (such as structural, functional, and spatial information, amino acid conservation, physicochemical variation, residue mobility, and thermodynamic stability) performed at Invitae indicates that this missense variant is not expected to disrupt FAT4 protein function. This variant has not been reported in the literature in individuals with FAT4-related conditions. This variant is not present in population databases (ExAC no frequency). This sequence change replaces asparagine with aspartic acid at codon 3246 of the FAT4 protein (p.Asn3246Asp). The asparagine residue is highly conserved and there is a small physicochemical difference between asparagine and aspartic acid.

NM_001291303.3(FAT4):c.9742A>G (p.Asn3248Asp)

Gene: FAT4 (FAT atypical cadherin 4; plus strand). Cytogenetic location: 4q28.1.
Variant type: single nucleotide variant.
Coding change: c.9742A>G on transcript NM_001291303.3 (MANE Select); coding-DNA position 9742, A replaced by G.
Protein change: p.Asn3248Asp; replaces asparagine 3248 with aspartic acid.
Molecular consequence: missense variant.
Genome position (GRCh38, 1-based): chr4:125,450,752, A>G. VCF-style: chr4-125450752-A-G. GRCh37 (hg19) VCF-style: chr4-126371907-A-G.
Other names: c.9742A>G, p.Asn3248Asp (NM_001291285.3); c.9736A>G, p.Asn3246Asp (NM_024582.6); short protein forms N3248D, N3246D.
Identifiers: ClinVar variation 1498365 (VCV001498365.8), dbSNP rs2126059913, ClinGen allele CA358154071.